The following is an entry in ClinVar:

NM_006329.4(FBLN5):c.468C>T (p.Thr156=)

Gene: FBLN5 (fibulin 5; minus strand). Cytogenetic location: 14q32.12.
Variant type: single nucleotide variant.
Coding change: c.468C>T on transcript NM_006329.4 (MANE Select); coding-DNA position 468, C replaced by T.
Protein change: p.Thr156=; no amino-acid change (threonine 156 retained).
Molecular consequence: synonymous variant.
Genome position (GRCh38, 1-based): chr14:91,894,984, G>A on the plus strand (C>T on the coding strand, the complement: FBLN5 is on the minus strand). VCF-style: chr14-91894984-G-A. GRCh37 (hg19) VCF-style: chr14-92361328-G-A.
Other names: c.591C>T, p.Thr197= (NM_001384158.1); c.519C>T, p.Thr173= (NM_001384159.1); c.468C>T, p.Thr156= (NM_001384160.1); c.300C>T, p.Thr100= (NM_001384161.1, NM_001384162.1).
Identifiers: ClinVar variation 668620 (VCV000668620.9), dbSNP rs781009485, ClinGen allele CA7312844.

ClinVar aggregate classification (germline): Likely benign. Review status: criteria provided, multiple submitters, no conflicts (2 of 4 stars). 3 submissions from 3 submitters: Likely benign (3). Last evaluated 2025-05-13.

Allele frequency attached by ClinVar (database versions not stated): TOPMed 0.00001; gnomAD 0.00003; gnomAD exomes 0.00003; ExAC 0.00004.
gnomAD v4.1: 21 of 1,614,076 alleles (0.0013%); highest among the groups gnomAD compares: East Asian, 0.011%; no homozygotes.

Submissions (3):

Labcorp Genetics (formerly Invitae), Labcorp
Classification: Likely benign. Last evaluated: 2025-05-13. Review status: criteria provided, single submitter. Criteria: Invitae Variant Classification Sherloc (09022015). Collection method: clinical testing. Allele origin: germline.

Blueprint Genetics
Classification: Likely benign. Last evaluated: 2021-06-02. Review status: criteria provided, single submitter. Criteria: ACMG Guidelines, 2015. Collection method: clinical testing. Allele origin: germline.

GeneDx
Classification: Likely benign. Last evaluated: 2018-05-25. Review status: criteria provided, single submitter. Criteria: GeneDx Variant Classification (06012015). Collection method: clinical testing. Allele origin: germline. Affected: yes.
Comment: This variant is considered likely benign or benign based on one or more of the following criteria: it is a conservative change, it occurs at a poorly conserved position in the protein, it is predicted to be benign by multiple in silico algorithms, and/or has population frequency not consistent with disease.